The following is an entry in ClinVar:

NM_016239.4(MYO15A):c.6634G>A (p.Glu2212Lys)

Gene: MYO15A (myosin XVA; plus strand). Cytogenetic location: 17p11.2.
Variant type: single nucleotide variant.
Coding change: c.6634G>A on transcript NM_016239.4 (MANE Select); coding-DNA position 6634, G replaced by A.
Protein change: p.Glu2212Lys; replaces glutamic acid 2212 with lysine.
Molecular consequence: missense variant.
Genome position (GRCh38, 1-based): chr17:18,148,153, G>A. VCF-style: chr17-18148153-G-A. GRCh37 (hg19) VCF-style: chr17-18051467-G-A.
Other names: c.6634G>A (NM_016239.3); short protein forms E2212K.
Identifiers: ClinVar variation 290066 (VCV000290066.32), dbSNP rs371352836, ClinGen allele CA8424640.
Genomic context (GRCh38, chr17:18,148,153, plus strand): 5'-ATGGGCCGGGCCCAACAGCAGGGCTCGGGGGCTGCCCGCACCTTACCCCCGACCCAGCTC[G>A]AGTGGACAGCGACCTATGAGAAGGCCAGCATGGCGCTGGACGTGGGCTGCTTCAATGGTA-3'
Protein context (NP_057323.3, residues 2202-2222): AARTLPPTQL[Glu2212Lys]WTATYEKASM

ClinVar aggregate classification (germline): Conflicting classifications of pathogenicity. Review status: criteria provided, conflicting classifications (1 of 4 stars). 8 submissions from 8 submitters: Pathogenic (1); Likely pathogenic (4); Uncertain significance (2). 1 of the submissions does not count toward it. Last evaluated 2026-02-05.

Conditions:
Hearing loss, autosomal recessive. Also called: Deafness, autosomal recessive; Rare autosomal recessive non-syndromic sensorineural deafness type DFNB; Nonsyndromic Hearing Loss, Recessive; Autosomal recessive nonsyndromic deafness. Identifiers: Orphanet 90635, Orphanet 90636, MedGen C1846647, MONDO:0019588, OMIM 607197.
MYO15A-related disorder. Also called: MYO15A-related condition.
Autosomal recessive nonsyndromic hearing loss 3. Also called: NEUROSENSORY NONSYNDROMIC RECESSIVE DEAFNESS 3. Identifiers: Orphanet 90636, MedGen C1838263, MONDO:0010860, OMIM 600316.

Allele frequency attached by ClinVar (database versions not stated): gnomAD 0.00001 and 0.00002; gnomAD exomes 0.00002 and 0.00004; TOPMed 0.00002; ExAC 0.00003; ESP Exome Variant Server 0.00008.
gnomAD v4.1: 62 of 1,613,736 alleles (0.0038%); highest among the groups gnomAD compares: Non-Finnish European, 0.0048%; no homozygotes.

Submissions (8):

PreventionGenetics, part of Exact Sciences
Classification: Likely pathogenic for MYO15A-related condition. Last evaluated: 2026-02-05. Review status: criteria provided, single submitter. Criteria: ACMG Guidelines, 2015. Collection method: clinical testing. Allele origin: germline.
Comment: The MYO15A c.6634G>A variant is predicted to result in the amino acid substitution p.Glu2212Lys. This variant has been reported along with other MYO15A variants in multiple individuals with hearing loss (Table S3, Sloan-Heggen et al. 2016. PubMed ID: 26969326; Table 2, Fu et al. 2022. PubMed ID: 35346193; Wonkam et al. 2022. PubMed ID: 35440622; Internal data PreventionGenetics) where at least in one case it has been reported in trans with pathogenic variant (Table 2, Fu et al. 2022. PubMed ID: 35346193). This variant was also reported in hearing loss cohort, however information about presence or absence of the second variant was not provided (Table S2, Usami et al. 2021. PubMed ID: 34599366). This variant is reported in 0.0065% of alleles in individuals of South Asian descent in gnomAD. This variant is interpreted as likely pathogenic.

Center for Statistical Genetics, Columbia University
Classification: Likely pathogenic for Hearing loss, autosomal recessive. Last evaluated: 2024-11-08. Review status: criteria provided, single submitter. Criteria: ACMG Guidelines, 2015. Collection method: research. Allele origin: germline. Inheritance: Autosomal recessive inheritance. Affected: yes. Observed: 1 compound heterozygote.

Fulgent Genetics
Classification: Likely pathogenic for Autosomal recessive nonsyndromic hearing loss 3. Last evaluated: 2024-06-22. Review status: criteria provided, single submitter. Criteria: ACMG Guidelines, 2015. Collection method: clinical testing. Allele origin: germline.

Labcorp Genetics (formerly Invitae), Labcorp
Classification: Pathogenic. Last evaluated: 2024-02-19. Review status: criteria provided, single submitter. Criteria: Invitae Variant Classification Sherloc (09022015). Collection method: clinical testing. Allele origin: germline.
Comment: This sequence change replaces glutamic acid, which is acidic and polar, with lysine, which is basic and polar, at codon 2212 of the MYO15A protein (p.Glu2212Lys). This variant is present in population databases (rs371352836, gnomAD 0.006%). This missense change has been observed in individuals with autosomal recessive deafness (PMID: 26969326, 35346193; Invitae). ClinVar contains an entry for this variant (Variation ID: 290066). Advanced modeling of protein sequence and biophysical properties (such as structural, functional, and spatial information, amino acid conservation, physicochemical variation, residue mobility, and thermodynamic stability) performed at Invitae indicates that this missense variant is expected to disrupt MYO15A protein function with a positive predictive value of 95%. For these reasons, this variant has been classified as Pathogenic.

Women's Health and Genetics/Laboratory Corporation of America, LabCorp
Classification: Uncertain significance. Last evaluated: 2023-08-10. Review status: criteria provided, single submitter. Criteria: LabCorp Variant Classification Summary - May 2015. Collection method: clinical testing. Allele origin: germline.
Comment: Variant summary: MYO15A c.6634G>A (p.Glu2212Lys) results in a conservative amino acid change located in the MyTH4 domain (IPR000857) of the encoded protein sequence. Four of five in-silico tools predict a damaging effect of the variant on protein function. The variant allele was found at a frequency of 2.4e-05 in 249022 control chromosomes (gnomAD). c.6634G>A has been reported in the literature in individuals affected with Autosomal Recessive Nonsyndromic Hearing Loss (Sloan-Heggen_2016, Fu_2022, Wonkam_2022), and one patient was reported as compound heterozygous with a pathogenic variant. These data indicate that the variant may be associated with disease. To our knowledge, no experimental evidence demonstrating an impact on protein function has been reported. The following publications have been ascertained in the context of this evaluation (PMID: 26969326, 35346193, 35440622). Two submitters have cited clinical-significance assessments for this variant to ClinVar after 2014. Both submitters classified the variant as uncertain significance. Based on the evidence outlined above, the variant was classified as VUS-possibly pathogenic.

Blueprint Genetics
Classification: Uncertain significance. Last evaluated: 2020-01-13. Review status: criteria provided, single submitter. Criteria: ACMG Guidelines, 2015. Collection method: clinical testing. Allele origin: germline.

Molecular Diagnosis Center for Deafness
Classification: Likely pathogenic for Autosomal recessive nonsyndromic hearing loss 3. Review status: criteria provided, single submitter. Criteria: ClinGen HL ACMG Specifications v1. Collection method: clinical testing. Allele origin: paternal. Observed: 1 variant allele.

Eurofins Ntd Llc (ga)
Classification: Uncertain significance. Last evaluated: 2016-09-08. Review status: flagged submission. Criteria: EGL Classification Definitions 2015. Collection method: clinical testing. Allele origin: germline. Observed: 1 variant allele, 1 heterozygote. Not counted in ClinVar's aggregate classification.
ClinVar note: Reason: Claim with insufficient supporting evidence

Literature cited by the submitters: PubMed 26969326 (cited by Labcorp Genetics (formerly Invitae), Labcorp and Women's Health and Genetics/Laboratory Corporation of America, LabCorp); PubMed 35346193 (cited by Labcorp Genetics (formerly Invitae), Labcorp and Women's Health and Genetics/Laboratory Corporation of America, LabCorp); PubMed 35440622 (cited by Women's Health and Genetics/Laboratory Corporation of America, LabCorp).